The following is an entry in ClinVar:

ClinVar aggregate classification (germline): Uncertain significance (1 of 4 stars; one submission).

Conditions:
Melanoma, cutaneous malignant, susceptibility to, 5. Also called: Cutaneous malignant melanoma 5. Identifiers: Orphanet 618, MedGen C2751295, MONDO:0013133, OMIM 613099.

Submission:

Labcorp Genetics (formerly Invitae), Labcorp
Classification: Uncertain significance for Melanoma, cutaneous malignant, susceptibility to, 5. Last evaluated: 2021-08-10. Review status: criteria provided, single submitter. Criteria: Invitae Variant Classification Sherloc (09022015). Collection method: clinical testing. Allele origin: germline.
Comment: This sequence change replaces threonine with alanine at codon 242 of the MC1R protein (p.Thr242Ala). The threonine residue is highly conserved and there is a small physicochemical difference between threonine and alanine. This variant is not present in population databases (ExAC no frequency). In summary, the available evidence is currently insufficient to determine the role of this variant in disease. Therefore, it has been classified as a Variant of Uncertain Significance. Algorithms developed to predict the effect of missense changes on protein structure and function (SIFT, PolyPhen-2, Align-GVGD) all suggest that this variant is likely to be disruptive. This variant has not been reported in the literature in individuals affected with MC1R-related conditions.

NM_002386.4(MC1R):c.724A>G (p.Thr242Ala)

Gene: MC1R (melanocortin 1 receptor; plus strand). Cytogenetic location: 16q24.3.
Variant type: single nucleotide variant.
Coding change: c.724A>G on transcript NM_002386.4 (MANE Select); coding-DNA position 724, A replaced by G.
Protein change: p.Thr242Ala; replaces threonine 242 with alanine.
Molecular consequence: missense variant.
Genome position (GRCh38, 1-based): chr16:89,919,982, A>G. VCF-style: chr16-89919982-A-G. GRCh37 (hg19) VCF-style: chr16-89986390-A-G.
Other names: short protein forms T242A.
Identifiers: ClinVar variation 1428938 (VCV001428938.6), dbSNP rs2045703274, ClinGen allele CA397462979.